The following is an entry in ClinVar:

ClinVar aggregate classification (germline): Uncertain significance. Review status: criteria provided, multiple submitters, no conflicts (2 of 4 stars). 4 submissions from 4 submitters: Uncertain significance (3). 1 of the submissions does not count toward it. Last evaluated 2025-03-14.

Conditions:
Cardiovascular phenotype. Identifiers: MedGen CN230736.
Dilated cardiomyopathy 1JJ (CMD1JJ). Identifiers: Orphanet 154, MedGen C3808935, MONDO:0014095, OMIM 615235.
LAMA4-related disorder. Also called: LAMA4-related condition.

Allele frequency attached by ClinVar (database versions not stated): gnomAD 0.00001; ExAC 0.00002; gnomAD exomes 0.00002 and 0.00004; TOPMed 0.00002.
gnomAD v4.1: 10 of 1,613,236 alleles (0.00062%); highest among the groups gnomAD compares: Admixed American, 0.017%; no homozygotes.

Submissions (4):

Ambry Genetics
Classification: Uncertain significance for Cardiovascular phenotype. Last evaluated: 2025-03-14. Review status: criteria provided, single submitter. Criteria: Ambry Variant Classification Scheme 2023. Collection method: clinical testing. Allele origin: germline.
Comment: The p.F1346L variant (also known as c.4038T>A), located in coding exon 29 of the LAMA4 gene, results from a T to A substitution at nucleotide position 4038. The phenylalanine at codon 1346 is replaced by leucine, an amino acid with highly similar properties. This amino acid position is highly conserved in available vertebrate species. In addition, the in silico prediction for this alteration is inconclusive. The evidence for this gene-disease relationship is limited; therefore, the clinical significance of this alteration is unclear.

Labcorp Genetics (formerly Invitae), Labcorp
Classification: Uncertain significance for Dilated cardiomyopathy 1JJ. Last evaluated: 2024-08-11. Review status: criteria provided, single submitter. Criteria: Invitae Variant Classification Sherloc (09022015). Collection method: clinical testing. Allele origin: germline.
Comment: This sequence change replaces phenylalanine, which is neutral and non-polar, with leucine, which is neutral and non-polar, at codon 1346 of the LAMA4 protein (p.Phe1346Leu). This variant is present in population databases (rs782273793, gnomAD 0.02%). This variant has not been reported in the literature in individuals affected with LAMA4-related conditions. ClinVar contains an entry for this variant (Variation ID: 1504981). An algorithm developed to predict the effect of missense changes on protein structure and function (PolyPhen-2) suggests that this variant is likely to be disruptive. In summary, the available evidence is currently insufficient to determine the role of this variant in disease. Therefore, it has been classified as a Variant of Uncertain Significance.

Fulgent Genetics
Classification: Uncertain significance for Dilated cardiomyopathy 1JJ. Last evaluated: 2021-10-20. Review status: criteria provided, single submitter. Criteria: ACMG Guidelines, 2015. Collection method: clinical testing. Allele origin: unknown.

PreventionGenetics, part of Exact Sciences
Classification: Uncertain significance for LAMA4-related condition. Last evaluated: 2024-05-16. Review status: no assertion criteria provided. Collection method: clinical testing. Allele origin: germline. Not counted in ClinVar's aggregate classification.
Comment: The LAMA4 c.4038T>A variant is predicted to result in the amino acid substitution p.Phe1346Leu. To our knowledge, this variant has not been reported in the literature. This variant is reported in 0.026% of alleles in individuals of Latino descent in gnomAD. At this time, the clinical significance of this variant is uncertain due to the absence of conclusive functional and genetic evidence.

NM_001105206.3(LAMA4):c.4059T>A (p.Phe1353Leu)

Gene: LAMA4 (laminin subunit alpha 4; minus strand). Cytogenetic location: 6q21.
Variant type: single nucleotide variant.
Coding change: c.4059T>A on transcript NM_001105206.3 (MANE Select); coding-DNA position 4059, T replaced by A.
Protein change: p.Phe1353Leu; replaces phenylalanine 1353 with leucine.
Molecular consequence: missense variant.
Genome position (GRCh38, 1-based): chr6:112,129,950, A>T on the plus strand (T>A on the coding strand, the complement: LAMA4 is on the minus strand). VCF-style: chr6-112129950-A-T. GRCh37 (hg19) VCF-style: chr6-112451152-A-T.
Other names: c.4038T>A (NM_002290.4); c.4038T>A, p.Phe1346Leu (NM_001105207.3, NM_002290.5); short protein forms F1353L, F1346L.
Identifiers: ClinVar variation 1504981 (VCV001504981.12), dbSNP rs782273793, ClinGen allele CA3965062.